The following is an entry in ClinVar:

ClinVar aggregate classification (germline): Likely benign (1 of 4 stars; one submission).

Conditions:
BLVRA-related disorder. Also called: BLVRA-related condition.

gnomAD v4.1: 1 of 1,613,518 alleles (0.000062%); highest among the groups gnomAD compares: Non-Finnish European, 0.000085%; no homozygotes.

Submission:

PreventionGenetics, part of Exact Sciences
Classification: Likely benign for BLVRA-related condition. Last evaluated: 2026-04-21. Review status: criteria provided, single submitter. Criteria: ACMG Guidelines, 2015. Collection method: clinical testing. Allele origin: germline.
Comment: This variant is classified as likely benign based on ACMG/AMP sequence variant interpretation guidelines (Richards et al. 2015 PMID: 25741868, with internal and published modifications).

NM_000712.4(BLVRA):c.632+9T>C

Gene: BLVRA (biliverdin reductase A; plus strand). Cytogenetic location: 7p13.
Variant type: single nucleotide variant.
Coding change: c.632+9T>C on transcript NM_000712.4 (MANE Select); 9 bases into the intron after coding-DNA position 632, T replaced by C.
Molecular consequence: intron variant.
Genome position (GRCh38, 1-based): chr7:43,803,856, T>C. VCF-style: chr7-43803856-T-C. GRCh37 (hg19) VCF-style: chr7-43843455-T-C.
Other names: c.632+9T>C (NM_001253823.2).
Identifiers: ClinVar variation 4993433 (VCV004993433.1).